The following is an entry in ClinVar:

ClinVar aggregate classification (germline): Likely pathogenic (1 of 4 stars; one submission).

Conditions:
CEP290-related disorder. Also called: CEP290-related condition; CEP290-related disorders. Identifiers: MedGen CN239314.

Submission:

PreventionGenetics, part of Exact Sciences
Classification: Likely pathogenic for CEP290-related condition. Last evaluated: 2026-06-15. Review status: criteria provided, single submitter. Criteria: ACMG Guidelines, 2015. Collection method: clinical testing. Allele origin: germline.
Comment: The CEP290 c.442-2A>G variant is predicted to disrupt the AG splice acceptor site and interfere with normal splicing. To our knowledge, this variant has not been reported in the literature or in a large population database (gnomAD), indicating this variant is rare. It disrupts a canonical splice donor site of an in-frame exon. Early termination changes up and downstream are reported in the literature; however, to our knowledge, no other variants at this splice junction have been conclusively documented as causative. Variants that disrupt a consensus splice acceptor site in CEP290 are expected to be pathogenic. This variant is interpreted as likely pathogenic.

NM_025114.4(CEP290):c.442-2A>G

Gene: CEP290 (centrosomal protein 290; minus strand). Cytogenetic location: 12q21.32.
Variant type: single nucleotide variant.
Coding change: c.442-2A>G on transcript NM_025114.4 (MANE Select); the canonical splice acceptor site of the intron before coding-DNA position 442, A replaced by G.
Molecular consequence: splice acceptor variant.
Genome position (GRCh38, 1-based): chr12:88,131,220, T>C on the plus strand (A>G on the coding strand, the complement: CEP290 is on the minus strand). VCF-style: chr12-88131220-T-C. GRCh37 (hg19) VCF-style: chr12-88524997-T-C.
Identifiers: ClinVar variation 4991932 (VCV004991932.1).